The following is an entry in ClinVar:

ClinVar aggregate classification (germline): Uncertain significance (1 of 4 stars; one submission).

Conditions:
Retinoblastoma (RB1). Also called: RETINOBLASTOMA, SOMATIC. Identifiers: Orphanet 790, MedGen C0035335, MeSH D012175, MONDO:0008380, OMIM 180200, HP:0009919. Disease mechanism: loss of function. Inheritance: Both sporadic and heritable forms are tested..

Submission:

Labcorp Genetics (formerly Invitae), Labcorp
Classification: Uncertain significance for Retinoblastoma. Last evaluated: 2024-09-27. Review status: criteria provided, single submitter. Criteria: Invitae Variant Classification Sherloc (09022015). Collection method: clinical testing. Allele origin: germline.
Comment: This variant, c.33_44del, results in the deletion of 4 amino acid(s) of the RB1 protein (p.Thr12_Ala15del), but otherwise preserves the integrity of the reading frame. This variant is not present in population databases (gnomAD no frequency). This variant has not been reported in the literature in individuals affected with RB1-related conditions. Experimental studies and prediction algorithms are not available or were not evaluated, and the functional significance of this variant is currently unknown. In summary, the available evidence is currently insufficient to determine the role of this variant in disease. Therefore, it has been classified as a Variant of Uncertain Significance.

NM_000321.3(RB1):c.33_44del (p.Thr12_Ala15del)

Gene: RB1 (RB transcriptional corepressor 1; plus strand). Cytogenetic location: 13q14.2.
Variant type: Deletion.
Coding change: c.33_44del on transcript NM_000321.3 (MANE Select); coding-DNA positions 33 to 44, 12 bases deleted (CACCGCCGCCGC).
Protein change: p.Thr12_Ala15del.
Genome position (GRCh38, 1-based): chr13:48,303,945-48,303,956, CACCGCCGCCGC deleted; deleting any 12 consecutive bases within chr13:48,303,940-48,303,956 gives the same sequence; the c. name uses the placement nearest the transcript's 3' end. VCF-style (leftmost placement, unchanged base first): chr13-48303939-GGCCGCCACCGCC-G. GRCh37 (hg19) VCF-style: chr13-48878075-GGCCGCCACCGCC-G.
Other names: c.33_44del, p.Thr12_Ala15del (NM_001407165.1, NM_001407166.1, NM_001407167.1).
Identifiers: ClinVar variation 3720103 (VCV003720103.2).
Genomic context (GRCh38, chr13:48,303,939, plus strand): 5'-CACAGCTCGCTGGCTCCCGCCGCGGAAAGGCGTCATGCCGCCCAAAACCCCCCGAAAAAC[GGCCGCCACCGCC>G]GCCGCTGCCGCCGCGGAACCCCCGGCACCGCCGCCGCCGCCCCCTCCTGAGGAGGACCCA-3'